The following is an entry in ClinVar:

ClinVar aggregate classification (germline): Pathogenic (1 of 4 stars; one submission).

Submission:

Labcorp Genetics (formerly Invitae), Labcorp
Classification: Pathogenic. Last evaluated: 2023-12-11. Review status: criteria provided, single submitter. Criteria: Invitae Variant Classification Sherloc (09022015). Collection method: clinical testing. Allele origin: germline.
Comment: This sequence change creates a premature translational stop signal (p.Met248Trpfs*54) in the C8B gene. It is expected to result in an absent or disrupted protein product. Loss-of-function variants in C8B are known to be pathogenic (PMID: 7594510). This variant is not present in population databases (gnomAD no frequency). This variant has not been reported in the literature in individuals affected with C8B-related conditions. For these reasons, this variant has been classified as Pathogenic.

Literature cited by the submitters: PubMed 7594510.

NM_000066.4(C8B):c.742del (p.Met248fs)

Gene: C8B (complement C8 beta chain; minus strand). Cytogenetic location: 1p32.2.
Variant type: Deletion.
Coding change: c.742del on transcript NM_000066.4 (MANE Select); coding-DNA position 742, one base deleted (A; older notation c.742delA).
Protein change: p.Met248fs; shifts the reading frame from methionine 248.
Molecular consequence: frameshift variant.
Genome position (GRCh38, 1-based): chr1:56,949,677, T deleted on the plus strand (A on the coding strand, the reverse complement: C8B is on the minus strand); the first of 4 consecutive T bases (chr1:56,949,677-56,949,680); deleting any one gives the same sequence. VCF-style (leftmost placement, unchanged base first): chr1-56949676-AT-A. GRCh37 (hg19) VCF-style: chr1-57415349-AT-A.
Other names: c.586del, p.Met196fs (NM_001278543.2); c.556del, p.Met186fs (NM_001278544.2); short protein forms M186fs, M196fs, M248fs.
Identifiers: ClinVar variation 2865963 (VCV002865963.3), dbSNP rs2522747844, ClinGen allele CA2739272564.